The following is an entry in ClinVar:

NM_025103.4(IFT74):c.1154G>A (p.Arg385Gln)

Gene: IFT74 (intraflagellar transport 74; plus strand). Cytogenetic location: 9p21.2.
Variant type: single nucleotide variant.
Coding change: c.1154G>A on transcript NM_025103.4 (MANE Select); coding-DNA position 1154, G replaced by A.
Protein change: p.Arg385Gln; replaces arginine 385 with glutamine.
Molecular consequence: missense variant.
Genome position (GRCh38, 1-based): chr9:27,047,319, G>A. VCF-style: chr9-27047319-G-A. GRCh37 (hg19) VCF-style: chr9-27047317-G-A.
Other names: c.1154G>A, p.Arg385Gln (NM_001099222.3, NM_001099223.3, NM_001349928.2); short protein forms R385Q.
Identifiers: ClinVar variation 4983680 (VCV004983680.1).
Genomic context (GRCh38, chr9:27,047,319, plus strand): 5'-TTTTCCAATTGTCAGCTTTTATTGAGACTTTTGAGGAAACAAAGAATCAGGAACTGAAAC[G>A]AAAGGCACAGATAGAAGCCAACATTGTTGCACTCTTGGAGCACTGCAGTCGAGTGAGTAC-3'
Protein context (NP_079379.2, residues 375-395): FEETKNQELK[Arg385Gln]KAQIEANIVA

ClinVar aggregate classification (germline): Uncertain significance (1 of 4 stars; one submission).

Conditions:
IFT74-related disorder. Also called: IFT74-related condition; IFT74-Related Disorders.

gnomAD v4.1: 5 of 1,613,300 alleles (0.00031%); highest among the groups gnomAD compares: East Asian, 0.0022%; no homozygotes.

Submission:

PreventionGenetics, part of Exact Sciences
Classification: Uncertain significance for IFT74-related condition. Last evaluated: 2024-10-04. Review status: criteria provided, single submitter. Criteria: ACMG Guidelines, 2015. Collection method: clinical testing. Allele origin: germline.
Comment: The IFT74 c.1154G>A variant is predicted to result in the amino acid substitution p.Arg385Gln. To our knowledge, this variant has not been reported in the literature. This variant is reported in 0.011% of alleles in individuals of African descent in gnomAD. At this time, the clinical significance of this variant is uncertain due to the absence of conclusive functional and genetic evidence.